The following is an entry in ClinVar:

ClinVar aggregate classification (germline): Uncertain significance (1 of 4 stars; one submission).

Allele frequency attached by ClinVar (database versions not stated): gnomAD exomes 0.00002; ExAC 0.00004.
gnomAD v4.1: 33 of 1,614,180 alleles (0.002%); highest among the groups gnomAD compares: South Asian, 0.034%; 1 homozygote.

Submission:

Labcorp Genetics (formerly Invitae), Labcorp
Classification: Uncertain significance. Last evaluated: 2026-02-01. Review status: criteria provided, single submitter. Criteria: Invitae Variant Classification Sherloc (09022015). Collection method: clinical testing. Allele origin: germline.
Comment: This sequence change replaces serine, which is neutral and polar, with arginine, which is basic and polar, at codon 211 of the NEUROD1 protein (p.Ser211Arg). This variant is present in population databases (rs771045546, gnomAD 0.04%). This variant has not been reported in the literature in individuals affected with NEUROD1-related conditions. ClinVar contains an entry for this variant (Variation ID: 2182482). Invitae Evidence Modeling of protein sequence and biophysical properties (such as structural, functional, and spatial information, amino acid conservation, physicochemical variation, residue mobility, and thermodynamic stability) indicates that this missense variant is not expected to disrupt NEUROD1 protein function with a negative predictive value of 80%. In summary, the available evidence is currently insufficient to determine the role of this variant in disease. Therefore, it has been classified as a Variant of Uncertain Significance.

NM_002500.5(NEUROD1):c.633C>A (p.Ser211Arg)

Gene: NEUROD1 (neuronal differentiation 1; minus strand). Cytogenetic location: 2q31.3.
Variant type: single nucleotide variant.
Coding change: c.633C>A on transcript NM_002500.5 (MANE Select); coding-DNA position 633, C replaced by A.
Protein change: p.Ser211Arg; replaces serine 211 with arginine.
Molecular consequence: missense variant.
Genome position (GRCh38, 1-based): chr2:181,678,228, G>T on the plus strand (C>A on the coding strand, the complement: NEUROD1 is on the minus strand). VCF-style: chr2-181678228-G-T. GRCh37 (hg19) VCF-style: chr2-182542955-G-T.
Other names: short protein forms S211R.
Identifiers: ClinVar variation 2182482 (VCV002182482.4), dbSNP rs771045546, ClinGen allele CA2011096.